The following is an entry in ClinVar:

ClinVar aggregate classification (germline): Pathogenic/Likely pathogenic. Review status: criteria provided, multiple submitters, no conflicts (2 of 4 stars). 5 submissions from 5 submitters: Pathogenic (2); Likely pathogenic (3). Last evaluated 2026-07-27.

Conditions:
Cardiovascular phenotype. Identifiers: MedGen CN230736.
Hypertrophic cardiomyopathy 1 (CMH1). Also called: Familial hypertrophic cardiomyopathy 1; MYH7-Related Familial Hypertrophic Cardiomyopathy. Identifiers: MedGen C3495498, MONDO:0008647, OMIM 192600.
Dilated cardiomyopathy 1S (CMD1S). Identifiers: Orphanet 154, Orphanet 54260, MedGen C1834481, MONDO:0013262, OMIM 613426.
Hypertrophic cardiomyopathy. Also called: HYPERTROPHIC MYOCARDIOPATHY. Identifiers: Orphanet 217569, MedGen C0007194, MeSH D002312, MONDO:0005045, HP:0001639.

Submissions (5):

GeneDx
Classification: Likely pathogenic. Last evaluated: 2026-07-27. Review status: criteria provided, single submitter. Criteria: GeneDx Variant Classification Process June 2021. Collection method: clinical testing. Allele origin: germline.
Comment: Not observed at significant frequency in large population cohorts (gnomAD); In silico analysis supports that this missense variant has a deleterious effect on protein structure/function; Identified in patients with HCM referred for genetic testing at GeneDx and in published literature (PMID: 15358028, 22429680, 29121657, 32894683); This variant is associated with the following publications: (PMID: 25961035, 22429680, 15358028, 32894683, 30665703, 27532257, 29300372, 29121657)

Human Genetics Bochum, Ruhr University Bochum
Classification: Pathogenic for Hypertrophic cardiomyopathy 1. Last evaluated: 2025-06-23. Review status: criteria provided, single submitter. Criteria: ACMG Guidelines, 2015. Collection method: clinical testing. Allele origin: germline. Affected: yes.
Comment: ACMG criteria used to clasify this variant: PS4_MOD, PM1, PM5, PP3_MOD, PM2_SUP, PP2

Ambry Genetics
Classification: Likely pathogenic for Cardiovascular phenotype. Last evaluated: 2025-06-12. Review status: criteria provided, single submitter. Criteria: Ambry Variant Classification Scheme 2023. Collection method: clinical testing. Allele origin: germline.
Comment: The p.E921K variant (also known as c.2761G>A), located in coding exon 21 of the MYH7 gene, results from a G to A substitution at nucleotide position 2761. The glutamic acid at codon 921 is replaced by lysine, an amino acid with similar properties. This alteration is located in the myosin head domain, which contains a statistically significant clustering of pathogenic missense variants (Homburger JR et al. Proc Natl Acad Sci U S A, 2016 06;113:6701-6; Walsh R et al. Genet Med, 2017 02;19:192-203; Ambry internal data). This alteration has been reported in multiple hypertrophic cardiomyopathy (HCM) cohorts and in individuals reported to have HCM (Van Driest SL et al. J Am Coll Cardiol, 2004 Aug;44:602-10; Santos S et al. BMC Med Genet, 2012 Mar;13:17; Viswanathan SK et al. PLoS One, 2017 Nov;12:e0187948; external communications; Ambry internal data). This variant is considered to be rare based on population cohorts in the Genome Aggregation Database (gnomAD). This amino acid position is highly conserved in available vertebrate species. In addition, this alteration is predicted to be deleterious by in silico analysis. Based on the majority of available evidence to date, this variant is likely to be pathogenic.

Labcorp Genetics (formerly Invitae), Labcorp
Classification: Pathogenic for Hypertrophic cardiomyopathy. Last evaluated: 2024-04-13. Review status: criteria provided, single submitter. Criteria: Invitae Variant Classification Sherloc (09022015). Collection method: clinical testing. Allele origin: germline.
Comment: This sequence change replaces glutamic acid, which is acidic and polar, with lysine, which is basic and polar, at codon 921 of the MYH7 protein (p.Glu921Lys). This variant is not present in population databases (gnomAD no frequency). This missense change has been observed in individuals with hypertrophic cardiomyopathy (PMID: 15358028, 22429680, 32894683; Invitae). ClinVar contains an entry for this variant (Variation ID: 181205). Advanced modeling of protein sequence and biophysical properties (such as structural, functional, and spatial information, amino acid conservation, physicochemical variation, residue mobility, and thermodynamic stability) performed at Invitae indicates that this missense variant is expected to disrupt MYH7 protein function with a positive predictive value of 95%. For these reasons, this variant has been classified as Pathogenic.

Institute of Human Genetics, University of Leipzig Medical Center
Classification: Likely pathogenic for Dilated cardiomyopathy 1S. Last evaluated: 2019-01-01. Review status: criteria provided, single submitter. Criteria: ACMG Guidelines, 2015. Collection method: clinical testing. Allele origin: unknown. Affected: yes.

Literature cited by the submitters: PubMed 15358028 (cited by 3 submitters); PubMed 22429680 (cited by 3 submitters); PubMed 29121657 (cited by Human Genetics Bochum, Ruhr University Bochum and Ambry Genetics); PubMed 32894683 (cited by Human Genetics Bochum, Ruhr University Bochum and Labcorp Genetics (formerly Invitae), Labcorp); PubMed 30665703 (cited by Ambry Genetics).

NM_000257.4(MYH7):c.2761G>A (p.Glu921Lys)

Gene: MYH7 (myosin heavy chain 7; minus strand). Cytogenetic location: 14q11.2.
Variant type: single nucleotide variant.
Coding change: c.2761G>A on transcript NM_000257.4 (MANE Select); coding-DNA position 2761, G replaced by A.
Protein change: p.Glu921Lys; replaces glutamic acid 921 with lysine.
Molecular consequence: missense variant.
Genome position (GRCh38, 1-based): chr14:23,424,068, C>T on the plus strand (G>A on the coding strand, the complement: MYH7 is on the minus strand). VCF-style: chr14-23424068-C-T. GRCh37 (hg19) VCF-style: chr14-23893277-C-T.
Other names: p.E921K:GAG>AAG; c.2761G>A (LRG_384t1); short protein forms E921K.
Identifiers: ClinVar variation 181205 (VCV000181205.20), dbSNP rs730880759, ClinGen allele CA013020.
Genomic context (GRCh38, chr14:23,424,068, plus strand): 5'-GCTTCTTGGCAGTGAGCTCAGCATTCATCTCCTCCTCATCCTCCAGCCTCTCGTTCATCT[C>T]CTTCACCTTGGCCTCCAGCTGAATCTTGTTTTTGATCAGCTGATCACAGCGCTCCTCAGC-3'
Protein context (NP_000248.2, residues 911-931): NKIQLEAKVK[Glu921Lys]MNERLEDEEE